The following is an entry in ClinVar:

NM_001374385.1(ATP8B1):c.432A>C (p.Thr144=)

Gene: ATP8B1 (ATPase phospholipid transporting 8B1; minus strand). Cytogenetic location: 18q21.31.
Variant type: single nucleotide variant.
Coding change: c.432A>C on transcript NM_001374385.1 (MANE Select); coding-DNA position 432, A replaced by C.
Protein change: p.Thr144=; no amino-acid change (threonine 144 retained).
Molecular consequence: synonymous variant.
Genome position (GRCh38, 1-based): chr18:57,701,275, T>G on the plus strand (A>C on the coding strand, the complement: ATP8B1 is on the minus strand). VCF-style: chr18-57701275-T-G. GRCh37 (hg19) VCF-style: chr18-55368507-T-G.
Other names: c.282A>C, p.Thr94= (NM_001374386.1); c.432A>C, p.Thr144= (NM_005603.6).
Identifiers: ClinVar variation 5001787 (VCV005001787.1).

ClinVar aggregate classification (germline): Likely benign (1 of 4 stars; one submission).

Conditions:
ATP8B1-related disorder. Also called: ATP8B1-related disorders; ATP8B1-related condition.

Submission:

PreventionGenetics, part of Exact Sciences
Classification: Likely benign for ATP8B1-related condition. Last evaluated: 2025-05-30. Review status: criteria provided, single submitter. Criteria: ACMG Guidelines, 2015. Collection method: clinical testing. Allele origin: germline.
Comment: This variant is classified as likely benign based on ACMG/AMP sequence variant interpretation guidelines (Richards et al. 2015 PMID: 25741868, with internal and published modifications).